The following is an entry in ClinVar:

ClinVar aggregate classification (germline): Uncertain significance (1 of 4 stars; one submission).

Submission:

GeneDx
Classification: Uncertain significance. Last evaluated: 2020-01-21. Review status: criteria provided, single submitter. Criteria: GeneDx Variant Classification Process June 2021. Collection method: clinical testing. Allele origin: germline. Affected: yes.
Comment: Not observed in large population cohorts (Lek et al., 2016); In silico analysis, which includes protein predictors and evolutionary conservation, supports that this variant does not alter protein structure/function; Has not been previously published as pathogenic or benign to our knowledge

NM_007118.4(TRIO):c.1486C>G (p.Leu496Val)

Gene: TRIO (trio Rho guanine nucleotide exchange factor; plus strand). Cytogenetic location: 5p15.2.
Variant type: single nucleotide variant.
Coding change: c.1486C>G on transcript NM_007118.4 (MANE Select); coding-DNA position 1486, C replaced by G.
Protein change: p.Leu496Val; replaces leucine 496 with valine.
Molecular consequence: missense variant. On other transcripts: non-coding transcript variant (1).
Genome position (GRCh38, 1-based): chr5:14,304,578, C>G. VCF-style: chr5-14304578-C-G. GRCh37 (hg19) VCF-style: chr5-14304687-C-G.
Other names: short protein forms L496V.
Identifiers: ClinVar variation 1303738 (VCV001303738.2), dbSNP rs1197779278, ClinGen allele CA359221287.